The following is an entry in ClinVar:

ClinVar aggregate classification (germline): Benign. Review status: criteria provided, multiple submitters, no conflicts (2 of 4 stars). 4 submissions from 4 submitters: Benign (4). Last evaluated 2026-02-02.

Conditions:
Dermatofibrosis lenticularis disseminata (BOS). Also called: DERMATOFIBROSIS LENTICULARIS DISSEMINATA WITH OSTEOPOIKILOSIS; DERMATOOSTEOPOIKILOSIS; OSTEOPATHIA CONDENSANS DISSEMINATA. Identifiers: Orphanet 1306, MedGen C0265514, MONDO:0008157, OMIM 166700.

Allele frequency attached by ClinVar (database versions not stated): ESP Exome Variant Server 0.00174; gnomAD 0.01276 and 0.01530; TOPMed 0.01541; gnomAD exomes 0.02699; 1000 Genomes Project 30x 0.04466; 1000 Genomes Project 0.04812; ExAC 0.07426.
gnomAD v4.1: 12,690 of 1,464,352 alleles (0.87%); highest among the groups gnomAD compares: East Asian, 19%; 766 homozygotes.

Submissions (4):

Labcorp Genetics (formerly Invitae), Labcorp
Classification: Benign. Last evaluated: 2026-02-02. Review status: criteria provided, single submitter. Criteria: Invitae Variant Classification Sherloc (09022015). Collection method: clinical testing. Allele origin: germline.

GeneDx
Classification: Benign. Last evaluated: 2018-11-12. Review status: criteria provided, single submitter. Criteria: GeneDx Variant Classification (06012015). Collection method: clinical testing. Allele origin: germline. Affected: yes.

Illumina Laboratory Services, Illumina
Classification: Benign for Dermatofibrosis lenticularis disseminata. Last evaluated: 2018-01-13. Review status: criteria provided, single submitter. Criteria: ICSL Variant Classification Criteria 13 December 2019. Collection method: clinical testing. Allele origin: germline.
Comment: This variant was observed in the ICSL laboratory as part of a predisposition screen in an ostensibly healthy population. It had not been previously curated by ICSL or reported in the Human Gene Mutation Database (HGMD: prior to June 1st, 2018), and was therefore a candidate for classification through an automated scoring system. Utilizing variant allele frequency, disease prevalence and penetrance estimates, and inheritance mode, an automated score was calculated to assess if this variant is too frequent to cause the disease. Based on the score and internal cut-off values, a variant classified as benign is not then subjected to further curation. The score for this variant resulted in a classification of benign for this disease.

Breakthrough Genomics
Classification: Benign. Review status: criteria provided, single submitter. Criteria: ACMG Guidelines, 2015. Collection method: not provided. Allele origin: germline. Inheritance: Autosomal dominant inheritance. Affected: yes.

NM_014319.5(LEMD3):c.378C>T (p.Ser126=)

Genes: LEMD3 (LEM domain containing 3; plus strand), LOC130008224 (ATAC-STARR-seq lymphoblastoid silent region 4630; plus strand). Cytogenetic location: 12q14.3.
Variant type: single nucleotide variant.
Coding change: c.378C>T on transcript NM_014319.5 (MANE Select); coding-DNA position 378, C replaced by T.
Protein change: p.Ser126=; no amino-acid change (serine 126 retained).
Molecular consequence: synonymous variant.
Genome position (GRCh38, 1-based): chr12:65,169,974, C>T. VCF-style: chr12-65169974-C-T. GRCh37 (hg19) VCF-style: chr12-65563754-C-T.
Other names: c.378C>T, p.Ser126= (NM_001167614.2).
Identifiers: ClinVar variation 310222 (VCV000310222.15), dbSNP rs61736593, ClinGen allele CA6670715.
Genomic context (GRCh38, chr12:65,169,974, plus strand): 5'-CCTGTGCCGAATCTCGGCCTCTGGCCCAGAGAGCCTCCTGGGAGGGCCCGGGGGCGCCTC[C>T]GCCGCCCCCGCGGCTGGCAGCAAAGTGCTGCTGGGCTTCAGCTCGGACGAGTCGGACGTG-3'
Protein context (NP_055134.2, residues 116-136): ESLLGGPGGA[Ser126=]AAPAAGSKVL